The following is an entry in ClinVar:

ClinVar aggregate classification (germline): Uncertain significance (1 of 4 stars; one submission).

Allele frequency attached by ClinVar (database versions not stated): gnomAD exomes below 0.00001.
gnomAD v4.1: 1 of 1,613,584 alleles (0.000062%); highest among the groups gnomAD compares: Non-Finnish European, 0.000085%; no homozygotes.

Submission:

Labcorp Genetics (formerly Invitae), Labcorp
Classification: Uncertain significance. Last evaluated: 2022-06-12. Review status: criteria provided, single submitter. Criteria: Invitae Variant Classification Sherloc (09022015). Collection method: clinical testing. Allele origin: germline.
Comment: This sequence change replaces serine, which is neutral and polar, with proline, which is neutral and non-polar, at codon 138 of the PEPD protein (p.Ser138Pro). This variant is not present in population databases (gnomAD no frequency). This variant has not been reported in the literature in individuals affected with PEPD-related conditions. Algorithms developed to predict the effect of missense changes on protein structure and function (SIFT, PolyPhen-2, Align-GVGD) all suggest that this variant is likely to be tolerated. In summary, the available evidence is currently insufficient to determine the role of this variant in disease. Therefore, it has been classified as a Variant of Uncertain Significance.

NM_000285.4(PEPD):c.412T>C (p.Ser138Pro)

Gene: PEPD (peptidase D; minus strand). Cytogenetic location: 19q13.11.
Variant type: single nucleotide variant.
Coding change: c.412T>C on transcript NM_000285.4 (MANE Select); coding-DNA position 412, T replaced by C.
Protein change: p.Ser138Pro; replaces serine 138 with proline.
Molecular consequence: missense variant.
Genome position (GRCh38, 1-based): chr19:33,493,319, A>G on the plus strand (T>C on the coding strand, the complement: PEPD is on the minus strand). VCF-style: chr19-33493319-A-G. GRCh37 (hg19) VCF-style: chr19-33984225-A-G.
Other names: c.412T>C, p.Ser138Pro (NM_001166056.2); c.220T>C, p.Ser74Pro (NM_001166057.2); short protein forms S74P, S138P.
Identifiers: ClinVar variation 2005174 (VCV002005174.1), dbSNP rs1970535765, ClinGen allele CA405231056.
Genomic context (GRCh38, chr19:33,493,319, plus strand): 5'-ACTGCCCCACCCCTGGACACCAGCCACTTACCAAAGTGAGGAGGACAGAGGGCTTCTGTG[A>G]CGTCAGGACGCTGGCAATCTAGAAGGTCGGAAAGAAAAACCCACTTTAGAGGCACCACTA-3'
Protein context (NP_000276.2, residues 128-148): YVDEIASVLT[Ser138Pro]QKPSVLLTLR